The following is an entry in ClinVar:

ClinVar aggregate classification (germline): Likely benign. Review status: criteria provided, multiple submitters, no conflicts (2 of 4 stars). 4 submissions from 4 submitters: Likely benign (2). 2 of the submissions do not count toward it. Last evaluated 2018-06-18.

Allele frequency attached by ClinVar (database versions not stated): gnomAD exomes 0.00500; gnomAD 0.00493 and 0.00497; TOPMed 0.00530; 1000 Genomes Project 0.00619; 1000 Genomes Project 30x 0.00640.
gnomAD v4.1: 6,340 of 1,262,704 alleles (0.5%); highest among the groups gnomAD compares: Middle Eastern, 0.78%; 26 homozygotes.

Submissions (4):

GeneDx
Classification: Likely benign. Last evaluated: 2018-06-18. Review status: criteria provided, single submitter. Criteria: GeneDx Variant Classification (06012015). Collection method: clinical testing. Allele origin: germline. Affected: yes.
Comment: This variant is considered likely benign or benign based on one or more of the following criteria: it is a conservative change, it occurs at a poorly conserved position in the protein, it is predicted to be benign by multiple in silico algorithms, and/or has population frequency not consistent with disease.

Breakthrough Genomics
Classification: Likely benign. Review status: criteria provided, single submitter. Criteria: ACMG Guidelines, 2015. Collection method: not provided. Allele origin: germline. Inheritance: Autosomal recessive inheritance. Affected: yes.

Clinical Genetics Laboratory, Department of Pathology, Netherlands Cancer Institute
Classification: Likely benign. Review status: no assertion criteria provided. Collection method: clinical testing. Allele origin: germline. Affected: yes. Study: VKGL Data-share Consensus. Not counted in ClinVar's aggregate classification.

Joint Genome Diagnostic Labs from Nijmegen and Maastricht, Radboudumc and MUMC+
Classification: Benign. Review status: no assertion criteria provided. Collection method: clinical testing. Allele origin: germline. Affected: yes. Study: VKGL Data-share Consensus. Not counted in ClinVar's aggregate classification.

NM_000051.4(ATM):c.6348-54T>C

Genes: ATM (ATM serine/threonine kinase; plus strand), C11orf65 (chromosome 11 open reading frame 65; minus strand). Cytogenetic location: 11q22.3.
Variant type: single nucleotide variant.
Coding change: c.6348-54T>C on transcript NM_000051.4 (MANE Select); 54 bases into the intron before coding-DNA position 6348, T replaced by C.
Molecular consequence: intron variant.
Genome position (GRCh38, 1-based): chr11:108,319,900, T>C. VCF-style: chr11-108319900-T-C. GRCh37 (hg19) VCF-style: chr11-108190627-T-C.
Other names: c.6348-54T>C (NM_001351834.2); c.641-10829A>G (NM_001330368.2); c.*39-10829A>G (NM_001351110.2).
Identifiers: ClinVar variation 675997 (VCV000675997.7), dbSNP rs116924981, ClinGen allele CA228405622.